The following is an entry in ClinVar:

ClinVar aggregate classification (germline): Uncertain significance. Review status: criteria provided, single submitter (1 of 4 stars). 2 submissions from 2 submitters: Uncertain significance (1). 1 of the submissions does not count toward it. Last evaluated 2025-03-29.

Conditions:
Retinal dystrophy. Also called: Inherited retinal dystrophy. Identifiers: Orphanet 71862, MedGen C0854723, MeSH D058499, MONDO:0019118, HP:0000556.

Allele frequency attached by ClinVar (database versions not stated): TOPMed below 0.00001; ExAC 0.00001; gnomAD exomes 0.00001.
gnomAD v4.1: 3 of 1,612,248 alleles (0.00019%); highest among the groups gnomAD compares: Admixed American, 0.0017%; no homozygotes.

Submissions (2):

Labcorp Genetics (formerly Invitae), Labcorp
Classification: Uncertain significance. Last evaluated: 2025-03-29. Review status: criteria provided, single submitter. Criteria: Invitae Variant Classification Sherloc (09022015). Collection method: clinical testing. Allele origin: germline.
Comment: This sequence change replaces valine, which is neutral and non-polar, with leucine, which is neutral and non-polar, at codon 813 of the ADGRA3 protein (p.Val813Leu). This variant is not present in population databases (gnomAD no frequency). This variant has not been reported in the literature in individuals affected with ADGRA3-related conditions. ClinVar contains an entry for this variant (Variation ID: 1944627). An algorithm developed to predict the effect of missense changes on protein structure and function (PolyPhen-2) suggests that this variant is likely to be tolerated. In summary, the available evidence is currently insufficient to determine the role of this variant in disease. Therefore, it has been classified as a Variant of Uncertain Significance.

Institute of Human Genetics, Univ. Regensburg, Univ. Regensburg
Classification: Uncertain significance for Retinal dystrophy. Last evaluated: 2023-01-01. Review status: no assertion criteria provided. Criteria: ACMG Guidelines, 2015. Collection method: clinical testing. Allele origin: germline. Affected: yes. Not counted in ClinVar's aggregate classification.

NM_145290.4(ADGRA3):c.2437G>T (p.Val813Leu)

Gene: ADGRA3 (adhesion G protein-coupled receptor A3; minus strand). Cytogenetic location: 4p15.2.
Variant type: single nucleotide variant.
Coding change: c.2437G>T on transcript NM_145290.4 (MANE Select); coding-DNA position 2437, G replaced by T.
Protein change: p.Val813Leu; replaces valine 813 with leucine.
Molecular consequence: missense variant.
Genome position (GRCh38, 1-based): chr4:22,401,475, C>A on the plus strand (G>T on the coding strand, the complement: ADGRA3 is on the minus strand). VCF-style: chr4-22401475-C-A. GRCh37 (hg19) VCF-style: chr4-22403098-C-A.
Other names: short protein forms V813L.
Identifiers: ClinVar variation 1944627 (VCV001944627.6), dbSNP rs751897365, ClinGen allele CA2873638.